The following is an entry in ClinVar:

NM_000158.4(GBE1):c.429G>T (p.Lys143Asn)

Gene: GBE1 (1,4-alpha-glucan branching enzyme 1; minus strand). Cytogenetic location: 3p12.2.
Variant type: single nucleotide variant.
Coding change: c.429G>T on transcript NM_000158.4 (MANE Select); coding-DNA position 429, G replaced by T.
Protein change: p.Lys143Asn; replaces lysine 143 with asparagine.
Molecular consequence: missense variant.
Genome position (GRCh38, 1-based): chr3:81,670,838, C>A on the plus strand (G>T on the coding strand, the complement: GBE1 is on the minus strand). VCF-style: chr3-81670838-C-A. GRCh37 (hg19) VCF-style: chr3-81719989-C-A.
Other names: c.429G>T (NM_000158.3); short protein forms K143N.
Identifiers: ClinVar variation 1959360 (VCV001959360.7), dbSNP rs376374984, ClinGen allele CA2499980.

ClinVar aggregate classification (germline): Conflicting classifications of pathogenicity. Review status: criteria provided, conflicting classifications (1 of 4 stars). 3 submissions from 3 submitters: Likely pathogenic (1); Uncertain significance (2). Last evaluated 2026-04-16.

Conditions:
Glycogen storage disease IV, classic hepatic. Also called: GSD IV, CLASSIC HEPATIC. Identifiers: MedGen C1856301.
Glycogen storage disease, type IV (GSD4). Also called: AMYLOPECTINOSIS; ANDERSEN DISEASE; BRANCHER DEFICIENCY; CIRRHOSIS, FAMILIAL, WITH DEPOSITION OF ABNORMAL GLYCOGEN; GBE1 DEFICIENCY; GLYCOGEN BRANCHING ENZYME DEFICIENCY. Identifiers: Orphanet 367, MedGen C0017923, MONDO:0009292, OMIM 232500.

Allele frequency attached by ClinVar (database versions not stated): TOPMed 0.00001; gnomAD 0.00001; ExAC 0.00002; ESP Exome Variant Server 0.00008; gnomAD exomes below 0.00001.
gnomAD v4.1: 6 of 1,497,728 alleles (0.0004%); highest among the groups gnomAD compares: Non-Finnish European, 0.00054%; no homozygotes.

Submissions (3):

GeneDx
Classification: Likely pathogenic. Last evaluated: 2026-04-16. Review status: criteria provided, single submitter. Criteria: GeneDx Variant Classification Process June 2021. Collection method: clinical testing. Allele origin: germline.
Comment: Not observed at significant frequency in large population cohorts (gnomAD); Alters the last nucleotide of the exon and is predicted to destroy the splice donor site and result in aberrant splicing, although in the absence of functional evidence the actual effect of this sequence change is unknown; Has not been previously published as pathogenic or benign to our knowledge

Labcorp Genetics (formerly Invitae), Labcorp
Classification: Uncertain significance for Glycogen storage disease, type IV; Glycogen storage disease IV, classic hepatic. Last evaluated: 2022-07-06. Review status: criteria provided, single submitter. Criteria: Invitae Variant Classification Sherloc (09022015). Collection method: clinical testing. Allele origin: germline.
Comment: This sequence change affects codon 143 of the GBE1 mRNA. It is a 'silent' change, meaning that it does not change the encoded amino acid sequence of the GBE1 protein. This variant also falls at the last nucleotide of exon 3, which is part of the consensus splice site for this exon. The frequency data for this variant in the population databases is considered unreliable, as metrics indicate poor data quality at this position in the gnomAD database. This variant has not been reported in the literature in individuals affected with GBE1-related conditions. Algorithms developed to predict the effect of missense changes on protein structure and function are either unavailable or do not agree on the potential impact of this missense change (SIFT: "Not Available"; PolyPhen-2: "Probably Damaging"; Align-GVGD: "Not Available"). Variants that disrupt the consensus splice site are a relatively common cause of aberrant splicing (PMID: 17576681, 9536098). Algorithms developed to predict the effect of sequence changes on RNA splicing suggest that this variant may disrupt the consensus splice site. In summary, the available evidence is currently insufficient to determine the role of this variant in disease. Therefore, it has been classified as a Variant of Uncertain Significance.

Revvity Omics, Revvity
Classification: Uncertain significance. Last evaluated: 2021-09-27. Review status: criteria provided, single submitter. Criteria: ACMG Guidelines, 2015. Collection method: clinical testing. Allele origin: germline.

Literature cited by the submitters: PubMed 17576681 (cited by Labcorp Genetics (formerly Invitae), Labcorp); PubMed 9536098 (cited by Labcorp Genetics (formerly Invitae), Labcorp).